The following is an entry in ClinVar:

ClinVar aggregate classification (germline): Uncertain significance (1 of 4 stars; one submission).

Conditions:
Inborn genetic diseases. Identifiers: MedGen C0950123, MeSH D030342.

Allele frequency attached by ClinVar (database versions not stated): TOPMed below 0.00001.

Submission:

Ambry Genetics
Classification: Uncertain significance for Inborn genetic diseases. Last evaluated: 2017-02-10. Review status: criteria provided, single submitter. Criteria: Ambry Variant Classification Scheme 2023. Collection method: clinical testing. Allele origin: germline.
Comment: The p.P494A variant (also known as c.1480C>G), located in coding exon 4 of the NLGN4X gene, results from a C to G substitution at nucleotide position 1480. The proline at codon 494 is replaced by alanine, an amino acid with highly similar properties. This amino acid position is highly conserved in available vertebrate species. In addition, this alteration is predicted to be deleterious by in silico analysis. Since supporting evidence is limited at this time, the clinical significance of this alteration remains unclear.

NM_181332.3(NLGN4X):c.1480C>G (p.Pro494Ala)

Gene: NLGN4X (neuroligin 4 X-linked; minus strand). Cytogenetic location: Xp22.32.
Variant type: single nucleotide variant.
Coding change: c.1480C>G on transcript NM_181332.3 (MANE Select); coding-DNA position 1480, C replaced by G.
Protein change: p.Pro494Ala; replaces proline 494 with alanine.
Molecular consequence: missense variant.
Genome position (GRCh38, 1-based): chrX:5,903,198, G>C on the plus strand (C>G on the coding strand, the complement: NLGN4X is on the minus strand). VCF-style: chrX-5903198-G-C. GRCh37 (hg19) VCF-style: chrX-5821239-G-C.
Other names: c.1480C>G, p.Pro494Ala (NM_001282145.2, NM_001282146.2, NM_020742.4); short protein forms P494A.
Identifiers: ClinVar variation 588772 (VCV000588772.5), dbSNP rs1569118116, ClinGen allele CA412010285.